The following is an entry in ClinVar:

ClinVar aggregate classification (germline): Conflicting classifications of pathogenicity. Review status: criteria provided, conflicting classifications (1 of 4 stars). 5 submissions from 5 submitters: Uncertain significance (4); Likely benign (1). Last evaluated 2026-09-07.

Conditions:
SCN11A-related disorder. Also called: SCN11A-related condition.
Inborn genetic diseases. Identifiers: MedGen C0950123, MeSH D030342.
Hereditary sensory and autonomic neuropathy type 7. Also called: Neuropathy, hereditary sensory and autonomic, type VII; HSAN VII. Identifiers: Orphanet 391397, MedGen C3809882, MONDO:0014244, OMIM 615548.
Familial episodic pain syndrome with predominantly lower limb involvement. Also called: Episodic pain syndrome, familial, 3. Identifiers: Orphanet 391384, Orphanet 391392, MedGen C3809899, MONDO:0014247, OMIM 615552.

Allele frequency attached by ClinVar (database versions not stated): gnomAD exomes 0.00006 and 0.00004; TOPMed 0.00006; ExAC 0.00004; gnomAD 0.00004.
gnomAD v4.1: 89 of 1,613,798 alleles (0.0055%); highest among the groups gnomAD compares: Middle Eastern, 0.099%; no homozygotes.

Submissions (5):

PreventionGenetics, part of Exact Sciences
Classification: Uncertain significance for SCN11A-related condition. Last evaluated: 2026-09-07. Review status: criteria provided, single submitter. Criteria: ACMG Guidelines, 2015. Collection method: clinical testing. Allele origin: germline.
Comment: The SCN11A c.881C>T variant is predicted to result in the amino acid substitution p.Pro294Leu. To our knowledge, this variant has not been reported in the literature. This variant is reported in 0.0054% of alleles in individuals of East Asian descent in gnomAD. At this time, the clinical significance of this variant is uncertain due to the absence of conclusive functional and genetic evidence.

Labcorp Genetics (formerly Invitae), Labcorp
Classification: Uncertain significance for Familial episodic pain syndrome with predominantly lower limb involvement; Hereditary sensory and autonomic neuropathy type 7. Last evaluated: 2025-05-19. Review status: criteria provided, single submitter. Criteria: Invitae Variant Classification Sherloc (09022015). Collection method: clinical testing. Allele origin: germline.
Comment: This sequence change replaces proline, which is neutral and non-polar, with leucine, which is neutral and non-polar, at codon 294 of the SCN11A protein (p.Pro294Leu). This variant is present in population databases (rs759807932, gnomAD 0.006%). This variant has not been reported in the literature in individuals affected with SCN11A-related conditions. ClinVar contains an entry for this variant (Variation ID: 852625). Invitae Evidence Modeling of protein sequence and biophysical properties (such as structural, functional, and spatial information, amino acid conservation, physicochemical variation, residue mobility, and thermodynamic stability) indicates that this missense variant is not expected to disrupt SCN11A protein function with a negative predictive value of 80%. In summary, the available evidence is currently insufficient to determine the role of this variant in disease. Therefore, it has been classified as a Variant of Uncertain Significance.

CeGaT Center for Human Genetics Tuebingen
Classification: Uncertain significance. Last evaluated: 2024-09-01. Review status: criteria provided, single submitter. Criteria: CeGaT Center For Human Genetics Tuebingen Variant Classification Criteria Version 2. Collection method: clinical testing. Allele origin: germline. Affected: yes. Observed: 1 variant allele.

Ambry Genetics
Classification: Likely benign for Inborn genetic diseases. Last evaluated: 2023-09-14. Review status: criteria provided, single submitter. Criteria: Ambry Variant Classification Scheme 2023. Collection method: clinical testing. Allele origin: germline.

Revvity Omics, Revvity
Classification: Uncertain significance. Last evaluated: 2021-11-25. Review status: criteria provided, single submitter. Criteria: ACMG Guidelines, 2015. Collection method: clinical testing. Allele origin: germline.

NM_001349253.2(SCN11A):c.881C>T (p.Pro294Leu)

Gene: SCN11A (sodium voltage-gated channel alpha subunit 11; minus strand). Cytogenetic location: 3p22.2.
Variant type: single nucleotide variant.
Coding change: c.881C>T on transcript NM_001349253.2 (MANE Select); coding-DNA position 881, C replaced by T.
Protein change: p.Pro294Leu; replaces proline 294 with leucine.
Molecular consequence: missense variant.
Genome position (GRCh38, 1-based): chr3:38,921,087, G>A on the plus strand (C>T on the coding strand, the complement: SCN11A is on the minus strand). VCF-style: chr3-38921087-G-A. GRCh37 (hg19) VCF-style: chr3-38962578-G-A.
Other names: c.881C>T, p.Pro294Leu (NM_014139.3); short protein forms P294L.
Identifiers: ClinVar variation 852625 (VCV000852625.32), dbSNP rs759807932, ClinGen allele CA2322490.